The following is an entry in ClinVar:

NM_001048174.2(MUTYH):c.223T>C (p.Trp75Arg)

Gene: MUTYH (mutY DNA glycosylase; minus strand). Cytogenetic location: 1p34.1.
Variant type: single nucleotide variant.
Coding change: c.223T>C on transcript NM_001048174.2 (MANE Select); coding-DNA position 223, T replaced by C.
Protein change: p.Trp75Arg; replaces tryptophan 75 with arginine.
Molecular consequence: missense variant. On other transcripts: 5 prime UTR variant (6), non-coding transcript variant (7).
Genome position (GRCh38, 1-based): chr1:45,333,454, A>G on the plus strand (T>C on the coding strand, the complement: MUTYH is on the minus strand). VCF-style: chr1-45333454-A-G. GRCh37 (hg19) VCF-style: chr1-45799126-A-G.
Other names: c.223T>C, p.Trp75Arg (NM_001048171.2, NM_001048173.2, NM_001293195.2 and 6 more transcripts); c.226T>C, p.Trp76Arg (NM_001048172.2, NM_001407071.1, NM_001407078.1 and 2 more transcripts); c.307T>C, p.Trp103Arg (NM_001128425.2); c.268T>C, p.Trp90Arg (NM_001293190.2); c.256T>C, p.Trp86Arg (NM_001293191.2, NM_001407077.1); c.-54T>C (NM_001293192.2, NM_001293196.2, NM_001407091.1); c.-49T>C (NM_001350650.2, NM_001350651.2, NM_001407082.1); c.298T>C, p.Trp100Arg (NM_001407069.1, NM_012222.3); and 3 more; short protein forms W100R, W103R, W47R, W75R, W76R, W82R, W86R, W89R.
Identifiers: ClinVar variation 3779978 (VCV003779978.2).

ClinVar aggregate classification (germline): Uncertain significance. Review status: criteria provided, multiple submitters, no conflicts (2 of 4 stars). 2 submissions from 2 submitters: Uncertain significance (2). Last evaluated 2025-10-29.

Conditions:
Familial adenomatous polyposis 2. Also called: MUTYH-associated polyposis; Adenomas, multiple colorectal; FAP type 2; MUTYH-related attenuated familial adenomatous polyposis; COLORECTAL ADENOMATOUS POLYPOSIS, AUTOSOMAL RECESSIVE; ADENOMAS, MULTIPLE COLORECTAL, AUTOSOMAL RECESSIVE. Identifiers: Orphanet 220460, Orphanet 247798, MedGen C3272841, MONDO:0012041, OMIM 608456.
Hereditary cancer-predisposing syndrome. Also called: Hereditary Cancer Syndrome; Neoplastic Syndromes, Hereditary; Hereditary neoplastic syndrome; Tumor predisposition. Identifiers: Orphanet 140162, MedGen C0027672, MeSH D009386, MONDO:0015356.

gnomAD v4.1: 1 of 1,614,188 alleles (0.000062%); highest among the groups gnomAD compares: Non-Finnish European, 0.000085%; no homozygotes.

Submissions (2):

Ambry Genetics
Classification: Uncertain significance for Hereditary cancer-predisposing syndrome. Last evaluated: 2025-10-29. Review status: criteria provided, single submitter. Criteria: Ambry Variant Classification Scheme 2023. Collection method: clinical testing. Allele origin: germline.
Comment: The p.W103R variant (also known as c.307T>C), located in coding exon 3 of the MUTYH gene, results from a T to C substitution at nucleotide position 307. The tryptophan at codon 103 is replaced by arginine, an amino acid with dissimilar properties. This amino acid position is highly conserved in available vertebrate species. In addition, this alteration is predicted to be deleterious by in silico analysis. Based on the available evidence, the clinical significance of this variant remains unclear.

Department of Pathology and Laboratory Medicine, Sinai Health System
Classification: Uncertain significance for Familial adenomatous polyposis 2. Last evaluated: 2021-07-08. Review status: criteria provided, single submitter. Criteria: ACMG Guidelines, 2015. Collection method: clinical testing. Allele origin: germline. Affected: yes.